The following is an entry in ClinVar:

ClinVar aggregate classification (germline): Benign (0 of 4 stars; one submission).

Conditions:
ATP2C2-related disorder. Also called: ATP2C2-related condition.

Allele frequency attached by ClinVar (database versions not stated): 1000 Genomes Project 0.00240; 1000 Genomes Project 30x 0.00265.
gnomAD v4.1: 595 of 1,614,144 alleles (0.037%); highest among the groups gnomAD compares: East Asian, 1.2%; 6 homozygotes.

Submission:

PreventionGenetics, part of Exact Sciences
Classification: Benign for ATP2C2-related condition. Last evaluated: 2019-04-25. Review status: no assertion criteria provided. Collection method: clinical testing. Allele origin: germline.
Comment: This variant is classified as benign based on ACMG/AMP sequence variant interpretation guidelines (Richards et al. 2015 PMID: 25741868, with internal and published modifications).

NM_014861.4(ATP2C2):c.450C>G (p.Ile150Met)

Gene: ATP2C2 (ATPase secretory pathway Ca2+ transporting 2; plus strand). Cytogenetic location: 16q24.1.
Variant type: single nucleotide variant.
Coding change: c.450C>G on transcript NM_014861.4 (MANE Select); coding-DNA position 450, C replaced by G.
Protein change: p.Ile150Met; replaces isoleucine 150 with methionine.
Molecular consequence: missense variant.
Genome position (GRCh38, 1-based): chr16:84,410,600, C>G. VCF-style: chr16-84410600-C-G. GRCh37 (hg19) VCF-style: chr16-84444206-C-G.
Other names: c.450C>G, p.Ile150Met (NM_001286527.3); c.59C>G, p.Ser20Cys (NM_001291454.2); short protein forms I150M, S20C.
Identifiers: ClinVar variation 3052394 (VCV003052394.2), dbSNP rs80149007, ClinGen allele CA8206667.
Genomic context (GRCh38, chr16:84,410,600, plus strand): 5'-CTGACACCCTCCTCCGTTTGCTGTCTAGGCAGTGCTTGTCGTGGTCACTGTCGCCTTCAT[C>G]CAGGTGAGTATTTCCTGAGGTCCCAGTCAGGGTAAGCTGGGCGGGACAGGAGCTTCATGG-3'
Protein context (NP_055676.3, residues 140-160): AVLVVVTVAF[Ile150Met]QEYRSEKSLE